The following is an entry in ClinVar:

NC_000019.9:g.(?_54307186)_(54307396_?)del

Gene: NLRP12 (NLR family pyrin domain containing 12; minus strand). Cytogenetic location: 19q13.42.
Variant type: Deletion.
Identifiers: ClinVar variation 3248463 (VCV003248463.1).

ClinVar aggregate classification (germline): Uncertain significance (1 of 4 stars; one submission).

Conditions:
Familial cold autoinflammatory syndrome 2 (FCAS2). Identifiers: Orphanet 247868, MedGen C2673198, MONDO:0012724, OMIM 611762.

Submission:

Labcorp Genetics (formerly Invitae), Labcorp
Classification: Uncertain significance for Familial cold autoinflammatory syndrome 2. Last evaluated: 2023-12-27. Review status: criteria provided, single submitter. Criteria: Invitae Variant Classification Sherloc (09022015). Collection method: clinical testing. Allele origin: unknown.
Comment: This variant is a gross deletion of the genomic region encompassing exon(s) 6 of the NLRP12 gene. This variant would be expected to be in-frame, preserving the integrity of the reading frame. This variant has not been reported in the literature in individuals affected with NLRP12-related conditions. Experimental studies and prediction algorithms are not available or were not evaluated, and the functional significance of this variant is currently unknown. In summary, the available evidence is currently insufficient to determine the role of this variant in disease. Therefore, it has been classified as a Variant of Uncertain Significance.